The following is an entry in ClinVar:

NM_000718.4(CACNA1B):c.6365C>T (p.Ser2122Leu)

Gene: CACNA1B (calcium voltage-gated channel subunit alpha1 B; plus strand). Cytogenetic location: 9q34.3.
Variant type: single nucleotide variant.
Coding change: c.6365C>T on transcript NM_000718.4 (MANE Select); coding-DNA position 6365, C replaced by T.
Protein change: p.Ser2122Leu; replaces serine 2122 with leucine.
Molecular consequence: missense variant.
Genome position (GRCh38, 1-based): chr9:138,120,757, C>T. VCF-style: chr9-138120757-C-T. GRCh37 (hg19) VCF-style: chr9-141015209-C-T.
Other names: c.6365C>T, p.Ser2122Leu (NM_001243812.2); c.6365C>T (NM_000718.3); short protein forms S2122L.
Identifiers: ClinVar variation 1413448 (VCV001413448.5), dbSNP rs536518993, ClinGen allele CA5377694.

ClinVar aggregate classification (germline): Uncertain significance. Review status: criteria provided, multiple submitters, no conflicts (2 of 4 stars). 2 submissions from 2 submitters: Uncertain significance (2). Last evaluated 2024-05-20.

Allele frequency attached by ClinVar (database versions not stated): gnomAD 0.00002 and 0.00003; TOPMed 0.00003; gnomAD exomes 0.00004; ExAC 0.00006; 1000 Genomes Project 30x 0.00016; 1000 Genomes Project 0.00020.
gnomAD v4.1: 31 of 1,549,398 alleles (0.002%); highest among the groups gnomAD compares: Admixed American, 0.0081%; no homozygotes.

Submissions (2):

Ambry Genetics
Classification: Uncertain significance. Last evaluated: 2024-05-20. Review status: criteria provided, single submitter. Criteria: Ambry Variant Classification Scheme 2023. Collection method: clinical testing. Allele origin: germline.

Labcorp Genetics (formerly Invitae), Labcorp
Classification: Uncertain significance. Last evaluated: 2022-12-31. Review status: criteria provided, single submitter. Criteria: Invitae Variant Classification Sherloc (09022015). Collection method: clinical testing. Allele origin: germline.
Comment: In summary, the available evidence is currently insufficient to determine the role of this variant in disease. Therefore, it has been classified as a Variant of Uncertain Significance. Advanced modeling of protein sequence and biophysical properties (such as structural, functional, and spatial information, amino acid conservation, physicochemical variation, residue mobility, and thermodynamic stability) performed at Invitae indicates that this missense variant is not expected to disrupt CACNA1B protein function. ClinVar contains an entry for this variant (Variation ID: 1413448). This variant has not been reported in the literature in individuals affected with CACNA1B-related conditions. This variant is present in population databases (rs536518993, gnomAD 0.01%). This sequence change replaces serine, which is neutral and polar, with leucine, which is neutral and non-polar, at codon 2122 of the CACNA1B protein (p.Ser2122Leu).